The following is an entry in ClinVar:

NM_000032.5(ALAS2):c.1600+315A>G

Gene: ALAS2 (5'-aminolevulinate synthase 2; minus strand). Cytogenetic location: Xp11.21.
Variant type: single nucleotide variant.
Coding change: c.1600+315A>G on transcript NM_000032.5 (MANE Select); 315 bases into the intron after coding-DNA position 1600, A replaced by G.
Molecular consequence: intron variant.
Genome position (GRCh38, 1-based): chrX:55,013,171, T>C on the plus strand (A>G on the coding strand, the complement: ALAS2 is on the minus strand). VCF-style: chrX-55013171-T-C. GRCh37 (hg19) VCF-style: chrX-55039604-T-C.
Other names: c.1489+315A>G (NM_001037967.4); c.1561+315A>G (NM_001037968.4).
Identifiers: ClinVar variation 673081 (VCV000673081.1), dbSNP rs7881427, ClinGen allele CA328969756.

ClinVar aggregate classification (germline): Benign (1 of 4 stars; one submission).

Allele frequency attached by ClinVar (database versions not stated): gnomAD 0.12271 and 0.13069; 1000 Genomes Project 0.13404; 1000 Genomes Project 30x 0.13798; TOPMed 0.13906.
gnomAD v4.1: 13,513 of 111,207 alleles (12%); highest among the groups gnomAD compares: African/African-American, 42%; 1,972 homozygotes.

Submission:

GeneDx
Classification: Benign. Last evaluated: 2018-06-14. Review status: criteria provided, single submitter. Criteria: GeneDx Variant Classification (06012015). Collection method: clinical testing. Allele origin: germline. Affected: yes.
Comment: This variant is considered likely benign or benign based on one or more of the following criteria: it is a conservative change, it occurs at a poorly conserved position in the protein, it is predicted to be benign by multiple in silico algorithms, and/or has population frequency not consistent with disease.